The following is an entry in ClinVar:

NM_001320.7(CSNK2B):c.332G>C (p.Arg111Pro)

Gene: CSNK2B (casein kinase 2 beta; plus strand). Cytogenetic location: 6p21.33.
Variant type: single nucleotide variant.
Coding change: c.332G>C on transcript NM_001320.7 (MANE Select); coding-DNA position 332, G replaced by C.
Protein change: p.Arg111Pro; replaces arginine 111 with proline.
Molecular consequence: missense variant.
Genome position (GRCh38, 1-based): chr6:31,669,137, G>C. VCF-style: chr6-31669137-G-C. GRCh37 (hg19) VCF-style: chr6-31636914-G-C.
Other names: c.332G>C, p.Arg111Pro (NM_001282385.2); short protein forms R111P.
Identifiers: ClinVar variation 1320202 (VCV001320202.3), dbSNP rs2151188333, ClinGen allele CA363474981.

ClinVar aggregate classification (germline): Pathogenic. Review status: criteria provided, multiple submitters, no conflicts (2 of 4 stars). 3 submissions from 3 submitters: Pathogenic (3). Last evaluated 2024-06-22.

Conditions:
CSNK2B-related disorder. Also called: CSNK2B-related condition.
Poirier-Bienvenu neurodevelopmental syndrome (POBINDS). Identifiers: Orphanet 689397, MedGen C5231482, MONDO:0032889, OMIM 618732.

Submissions (3):

GeneDx
Classification: Pathogenic. Last evaluated: 2024-06-22. Review status: criteria provided, single submitter. Criteria: GeneDx Variant Classification Process June 2021. Collection method: clinical testing. Allele origin: germline. Affected: yes.
Comment: Not observed at significant frequency in large population cohorts (gnomAD); In silico analysis supports that this missense variant has a deleterious effect on protein structure/function; This variant is associated with the following publications: (PMID: 35370893, 31784560, 36310603, 35693553, 35774559)

Blueprint Genetics
Classification: Pathogenic for CSNK2B-related disorders. Last evaluated: 2024-02-13. Review status: criteria provided, single submitter. Criteria: ACMG Guidelines, 2015. Collection method: clinical testing. Allele origin: germline. Affected: yes. Observed: 2 variant alleles.

3billion
Classification: Pathogenic for Poirier-Bienvenu neurodevelopmental syndrome. Last evaluated: 2021-10-02. Review status: criteria provided, single submitter. Criteria: ACMG Guidelines, 2015. Collection method: clinical testing. Allele origin: unknown. Affected: yes. Observed: 1 heterozygote.
Comment: Same nucleotide change resulting in same amino acid change has been previously reported as de novoo in similarly affected unrelated individuals (PMID: 31784560, PS2, PS4_M). The variant was observed as assumed (i.e. paternity and maternity not confirmed) de novoo (3billion dataset, PM6). It is not observed in the gnomAD v2.1.1 dataset (PM2). In silico tool predictions suggest damaging effect of the variant on gene or gene product (REVEL: 0.951, 3Cnet: 0.982, PP3). Therefore, this variant is classified as pathogenic according to the recommendation of ACMG/AMP guideline.

Literature cited by the submitters: PubMed 31784560 (cited by 3billion).